The following is an entry in ClinVar:

NM_001378454.1(ALMS1):c.889C>T (p.Gln297Ter)

Gene: ALMS1 (ALMS1 centrosome and basal body associated protein; plus strand). Cytogenetic location: 2p13.1.
Variant type: single nucleotide variant.
Coding change: c.889C>T on transcript NM_001378454.1 (MANE Select); coding-DNA position 889, C replaced by T.
Protein change: p.Gln297Ter; replaces glutamine 297 with a stop codon.
Molecular consequence: nonsense.
Genome position (GRCh38, 1-based): chr2:73,424,554, C>T. VCF-style: chr2-73424554-C-T. GRCh37 (hg19) VCF-style: chr2-73651682-C-T.
Other names: c.892C>T, p.Gln298Ter (NM_015120.4); short protein forms Q297*, Q298*.
Identifiers: ClinVar variation 3242171 (VCV003242171.1), dbSNP rs2466046164.
Genomic context (GRCh38, chr2:73,424,554, plus strand): 5'-TTATTCCAGGCTACTGCAGAAGTAGCTTCAGACTTAGCAAGCAGTCGCTTTAGTGTATCT[C>T]AGCACCCGCTTATAGGCAGCACAGCTGTTGGGTCTCAGTGCCCTTTTTTACCTTCTGAAC-3'

ClinVar aggregate classification (germline): Likely pathogenic (1 of 4 stars; one submission).

Conditions:
Alstrom syndrome (ALMS). Identifiers: Orphanet 64, MedGen C0268425, MONDO:0008763, OMIM 203800.

Submission:

Neuberg Centre For Genomic Medicine, NCGM
Classification: Likely pathogenic for Alstrom syndrome. Review status: criteria provided, single submitter. Criteria: ACMG Guidelines, 2015. Collection method: clinical testing. Allele origin: germline. Inheritance: Autosomal recessive inheritance. Affected: yes.
Comment: The observed stop gain c.889C>T (p.Gln297Ter) variant in ALMS1 gene has not been reported previously as a pathogenic variant nor as a benign variant, to our knowledge. The variant is absent in gnomAD exomes database. This variant has not been submitted to the ClinVar database. MutationTaster predicts a damaging effect on protein structure and function for this variant. The nucleotide change c.889C>T in ALMS1 is predicted as conserved by GERP++ and PhyloP across 100 vertebrates. This variant is predicted to cause loss of normal protein function through protein truncation. Loss of function variants in ALMS1 gene have been previously reported to be disease causing. Additional studies will be required to prove the pathogenicity of this variant. For these reasons, this variant has been classified as Likely Pathogenic.